The following is an entry in ClinVar:

ClinVar aggregate classification (germline): Uncertain significance. Review status: criteria provided, multiple submitters, no conflicts (2 of 4 stars). 2 submissions from 2 submitters: Uncertain significance (2). Last evaluated 2024-03-19.

Conditions:
Familial acute necrotizing encephalopathy (IIAE3). Also called: ENCEPHALOPATHY, ACUTE, INFECTION-INDUCED, SUSCEPTIBILITY TO, 3; Susceptibility to Acute Necrotizing Encephalopathy 1. Identifiers: Orphanet 88619, MedGen C2675556, MONDO:0011953, OMIM 608033.

Allele frequency attached by ClinVar (database versions not stated): ExAC 0.00003; TOPMed 0.00014; 1000 Genomes Project 30x 0.00016; ESP Exome Variant Server 0.00017; 1000 Genomes Project 0.00020; gnomAD 0.00022 and 0.00024.
gnomAD v4.1: 51 of 1,597,538 alleles (0.0032%); highest among the groups gnomAD compares: African/African-American, 0.059%; no homozygotes.

Submissions (2):

Ambry Genetics
Classification: Uncertain significance. Last evaluated: 2024-03-19. Review status: criteria provided, single submitter. Criteria: Ambry Variant Classification Scheme 2023. Collection method: clinical testing. Allele origin: germline.

Labcorp Genetics (formerly Invitae), Labcorp
Classification: Uncertain significance for Familial acute necrotizing encephalopathy. Last evaluated: 2022-02-03. Review status: criteria provided, single submitter. Criteria: Invitae Variant Classification Sherloc (09022015). Collection method: clinical testing. Allele origin: germline.
Comment: In summary, the available evidence is currently insufficient to determine the role of this variant in disease. Therefore, it has been classified as a Variant of Uncertain Significance. Algorithms developed to predict the effect of missense changes on protein structure and function are either unavailable or do not agree on the potential impact of this missense change (SIFT: "Deleterious"; PolyPhen-2: "Benign"; Align-GVGD: "Class C0"). ClinVar contains an entry for this variant (Variation ID: 571437). This variant has not been reported in the literature in individuals affected with RANBP2-related conditions. This variant is present in population databases (rs369585628, gnomAD 0.06%), and has an allele count higher than expected for a pathogenic variant. This sequence change replaces methionine, which is neutral and non-polar, with isoleucine, which is neutral and non-polar, at codon 291 of the RANBP2 protein (p.Met291Ile).

NM_006267.5(RANBP2):c.873G>A (p.Met291Ile)

Gene: RANBP2 (RAN binding protein 2; plus strand). Cytogenetic location: 2q13.
Variant type: single nucleotide variant.
Coding change: c.873G>A on transcript NM_006267.5 (MANE Select); coding-DNA position 873, G replaced by A.
Protein change: p.Met291Ile; replaces methionine 291 with isoleucine.
Molecular consequence: missense variant.
Genome position (GRCh38, 1-based): chr2:108,740,579, G>A. VCF-style: chr2-108740579-G-A. GRCh37 (hg19) VCF-style: chr2-109357035-G-A.
Other names: short protein forms M291I.
Identifiers: ClinVar variation 571437 (VCV000571437.8), dbSNP rs369585628, ClinGen allele CA1822155.